The following is an entry in ClinVar:

NM_172362.3(KCNH1):c.1043_1044insAGAG (p.Ser348fs)

Gene: KCNH1 (potassium voltage-gated channel subfamily H member 1; minus strand). Cytogenetic location: 1q32.2.
Variant type: Microsatellite.
Coding change: c.1043_1044insAGAG on transcript NM_172362.3 (MANE Select); coding-DNA positions 1043 to 1044, AGAG inserted.
Protein change: p.Ser348fs; shifts the reading frame from serine 348.
Molecular consequence: frameshift variant.
Genome position: GRCh38 VCF-style: chr1-210920058-G-GCTCT. GRCh37 (hg19) VCF-style: chr1-211093400-G-GCTCT.
Other names: c.962_963insAGAG, p.Ser321fs (NM_002238.4); short protein forms S321fs, S348fs.
Identifiers: ClinVar variation 1486829 (VCV001486829.6), dbSNP rs2102561873, ClinGen allele CA2580611538.

ClinVar aggregate classification (germline): Uncertain significance (1 of 4 stars; one submission).

Submission:

Labcorp Genetics (formerly Invitae), Labcorp
Classification: Uncertain significance. Last evaluated: 2021-11-04. Review status: criteria provided, single submitter. Criteria: Invitae Variant Classification Sherloc (09022015). Collection method: clinical testing. Allele origin: germline.
Comment: In summary, the available evidence is currently insufficient to determine the role of this variant in disease. Therefore, it has been classified as a Variant of Uncertain Significance. This variant has not been reported in the literature in individuals affected with KCNH1-related conditions. This variant is not present in population databases (gnomAD no frequency). This sequence change creates a premature translational stop signal (p.Ser348Argfs*21) in the KCNH1 gene. It is expected to result in an absent or disrupted protein product. However, the current clinical and genetic evidence is not sufficient to establish whether loss-of-function variants in KCNH1 cause disease.